The following is an entry in ClinVar:

ClinVar aggregate classification (germline): Pathogenic (1 of 4 stars; one submission).

Submission:

Labcorp Genetics (formerly Invitae), Labcorp
Classification: Pathogenic. Last evaluated: 2022-10-04. Review status: criteria provided, single submitter. Criteria: Invitae Variant Classification Sherloc (09022015). Collection method: clinical testing. Allele origin: germline.
Comment: This variant is a gross deletion of the genomic region encompassing exon(s) 4-6 of the CDH23 gene. This deletion is out-of-frame, and is expected to create a premature termination codon and result in an absent or disrupted protein product. Loss-of-function variants in CDH23 are known to be pathogenic (PMID: 11138009, 21940737). This variant has not been reported in the literature in individuals affected with CDH23-related conditions. For these reasons, this variant has been classified as Pathogenic.

Literature cited by the submitters: PubMed 11138009; PubMed 21940737.

NC_000010.10:g.(?_73269819)_(73270989_?)del

Gene: CDH23 (cadherin related 23; plus strand). Cytogenetic location: 10q22.1.
Variant type: Deletion.
Identifiers: ClinVar variation 1073301 (VCV001073301.2).